The following is an entry in ClinVar:

NM_001127222.2(CACNA1A):c.5494G>A (p.Val1832Met)

Gene: CACNA1A (calcium voltage-gated channel subunit alpha1 A; minus strand). Cytogenetic location: 19p13.13.
Variant type: single nucleotide variant.
Coding change: c.5494G>A on transcript NM_001127222.2 (MANE Select); coding-DNA position 5494, G replaced by A.
Protein change: p.Val1832Met; replaces valine 1832 with methionine.
Molecular consequence: missense variant.
Genome position (GRCh38, 1-based): chr19:13,230,116, C>T on the plus strand (G>A on the coding strand, the complement: CACNA1A is on the minus strand). VCF-style: chr19-13230116-C-T. GRCh37 (hg19) VCF-style: chr19-13340930-C-T.
Other names: c.5512G>A, p.Val1838Met (NM_000068.4, NM_023035.3); c.5497G>A, p.Val1833Met (NM_001127221.2); c.5503G>A, p.Val1835Met (NM_001174080.2); short protein forms V1832M, V1833M, V1835M, V1838M.
Identifiers: ClinVar variation 2499434 (VCV002499434.3), dbSNP rs376815942, ClinGen allele CA9239724.

ClinVar aggregate classification (germline): Uncertain significance. Review status: criteria provided, multiple submitters, no conflicts (2 of 4 stars). 2 submissions from 2 submitters: Uncertain significance (2). Last evaluated 2025-01-19.

Conditions:
Developmental and epileptic encephalopathy, 42 (DEE42A). Also called: EPILEPTIC ENCEPHALOPATHY, EARLY INFANTILE, 42A; DEVELOPMENTAL AND EPILEPTIC ENCEPHALOPATHY 42A; Epileptic encephalopathy, early infantile, 42. Identifiers: MedGen C4310716, MONDO:0014917, OMIM 617106.
Episodic ataxia type 2 (EA2). Also called: ATAXIA, EPISODIC, WITH NYSTAGMUS; ATAXIA, FAMILIAL PAROXYSMAL; CEREBELLAR ATAXIA, PAROXYSMAL, ACETAZOLAMIDE-RESPONSIVE; CEREBELLOPATHY, HEREDITARY PAROXYSMAL; EPISODIC ATAXIA, NYSTAGMUS-ASSOCIATED; ACETAZOLAMIDE-RESPONSIVE HEREDITARY PAROXYSMAL CEREBELLAR ATAXIA. Identifiers: Orphanet 97, MedGen C1720416, MONDO:0007163, OMIM 108500.

Allele frequency attached by ClinVar (database versions not stated): ExAC 0.00001; gnomAD 0.00001; TOPMed 0.00001; ESP Exome Variant Server 0.00008.
gnomAD v4.1: 11 of 1,613,748 alleles (0.00068%); highest among the groups gnomAD compares: Non-Finnish European, 0.00093%; no homozygotes.

Submissions (2):

Labcorp Genetics (formerly Invitae), Labcorp
Classification: Uncertain significance for Developmental and epileptic encephalopathy, 42; Episodic ataxia type 2. Last evaluated: 2025-01-19. Review status: criteria provided, single submitter. Criteria: Invitae Variant Classification Sherloc (09022015). Collection method: clinical testing. Allele origin: germline.
Comment: This sequence change replaces valine, which is neutral and non-polar, with methionine, which is neutral and non-polar, at codon 1833 of the CACNA1A protein (p.Val1833Met). This variant is present in population databases (rs376815942, gnomAD 0.003%). This missense change has been observed in individual(s) with stroke (PMID: 31719132). This variant is also known as p.Val1832Met. ClinVar contains an entry for this variant (Variation ID: 2499434). Invitae Evidence Modeling of protein sequence and biophysical properties (such as structural, functional, and spatial information, amino acid conservation, physicochemical variation, residue mobility, and thermodynamic stability) has been performed for this missense variant. However, the output from this modeling did not meet the statistical confidence thresholds required to predict the impact of this variant on CACNA1A protein function. In summary, the available evidence is currently insufficient to determine the role of this variant in disease. Therefore, it has been classified as a Variant of Uncertain Significance.

GeneDx
Classification: Uncertain significance. Last evaluated: 2022-10-17. Review status: criteria provided, single submitter. Criteria: GeneDx Variant Classification Process June 2021. Collection method: clinical testing. Allele origin: germline. Affected: yes.
Comment: Observed in one patient with history of lacunar stroke in published literature (Tan et al., 2019); Not observed at significant frequency in large population cohorts (gnomAD); In silico analysis supports that this missense variant has a deleterious effect on protein structure/function; Also known as c.5494 G>A p.(Val1832Met); This variant is associated with the following publications: (PMID: 31719132)

Literature cited by the submitters: PubMed 31719132 (cited by Labcorp Genetics (formerly Invitae), Labcorp).